The following is an entry in ClinVar:

ClinVar aggregate classification (germline): Uncertain significance (1 of 4 stars; one submission).

gnomAD v4.1: 1 of 1,209,184 alleles (0.000083%); highest among the groups gnomAD compares: Non-Finnish European, 0.00011%; no homozygotes.

Submission:

Labcorp Genetics (formerly Invitae), Labcorp
Classification: Uncertain significance. Last evaluated: 2025-01-02. Review status: criteria provided, single submitter. Criteria: Invitae Variant Classification Sherloc (09022015). Collection method: clinical testing. Allele origin: germline.
Comment: This sequence change replaces tryptophan, which is neutral and slightly polar, with arginine, which is basic and polar, at codon 25 of the WNT4 protein (p.Trp25Arg). This variant is not present in population databases (gnomAD no frequency). This variant has not been reported in the literature in individuals affected with WNT4-related conditions. An algorithm developed to predict the effect of missense changes on protein structure and function (PolyPhen-2) suggests that this variant is likely to be disruptive. In summary, the available evidence is currently insufficient to determine the role of this variant in disease. Therefore, it has been classified as a Variant of Uncertain Significance.

NM_030761.5(WNT4):c.73T>C (p.Trp25Arg)

Gene: WNT4 (Wnt family member 4; minus strand). Cytogenetic location: 1p36.12.
Variant type: single nucleotide variant.
Coding change: c.73T>C on transcript NM_030761.5 (MANE Select); coding-DNA position 73, T replaced by C.
Protein change: p.Trp25Arg; replaces tryptophan 25 with arginine.
Molecular consequence: missense variant.
Genome position (GRCh38, 1-based): chr1:22,142,850, A>G on the plus strand (T>C on the coding strand, the complement: WNT4 is on the minus strand). VCF-style: chr1-22142850-A-G. GRCh37 (hg19) VCF-style: chr1-22469343-A-G.
Other names: short protein forms W25R.
Identifiers: ClinVar variation 3700964 (VCV003700964.2).
Genomic context (GRCh38, chr1:22,142,850, plus strand): 5'-TGCCCCCGGGGCCTGCCCCGCCCCGCCCCGCCCCGCTCGGCCCCGGCCAGACTTACAGCC[A>G]GTTGCTCGCGGCGGCTGAGAAGACGGCGAAGACGAGGAGGCGCAGCGAACGCAGGCACGA-3'
Protein context (NP_110388.2, residues 15-35): FAVFSAAASN[Trp25Arg]LYLAKLSSVG